The following is an entry in ClinVar:

ClinVar aggregate classification (germline): Pathogenic (1 of 4 stars; one submission).

Conditions:
Developmental and epileptic encephalopathy, 7 (DEE7). Also called: Early infantile epileptic encephalopathy 7; KCNQ2-Related Neonatal Epileptic Encephalopathy; KCNQ2-Related Neonatal-Onset Developmental and Epileptic Encephalopathy (NEO-DEE). Identifiers: Orphanet 439218, MedGen C3150986, MONDO:0013387, OMIM 613720.

Submissions (6):

Victorian Clinical Genetics Services, Murdoch Childrens Research Institute
Classification: Pathogenic for Developmental and epileptic encephalopathy, 7. Last evaluated: 2020-05-21. Review status: criteria provided, single submitter. Criteria: ACMG Guidelines, 2015. Collection method: clinical testing. Allele origin: germline. Inheritance: Autosomal dominant inheritance. Affected: yes.
Comment: A heterozygous missense variant was identified, NM_172107.3(KCNQ2):c.835G>A in exon 6 of 17 of the KCNQ2 gene. This substitution is predicted to create a minor amino acid change from a glycine to a serine at position 279 of the protein; NP_742105.1(KCNQ2):p.(Gly279Ser). The glycine at this position has very high conservation (100 vertebrates, UCSC), and is located within the pore region of the ion transporter functional domain (NCBI, PDB, Xiong, Q. et al. (2007)). In silico software predicts this variant to be damaging (PolyPhen2, SIFT, CADD, Mutation Taster). The variant is not present in the gnomAD population database. This variant has been previously reported as pathogenic in patients with epileptic encephalopathy, early infantile and Ohtahara syndrome (Gokben, S. et al. (2017), Sharawat, I. K. et al. (2019)). In addition, functional studies using mouse models transfected with human mutant protein show abnormal protein function (Marguet, S. L. et al. (2015)). A different variant in the same codon resulting in a change to a cysteine has also been shown to cause epileptic encephalopathy, early infantile (ClinVar)). Based on information available at the time of curation, this variant has been classified as PATHOGENIC.

Channelopathy-Associated Epilepsy Research Center
No classification provided (evidence only). Review status: no classification provided. Collection method: in vitro. Allele origin: not applicable. Functional consequence: Decrease in peak current. Not counted in ClinVar's aggregate classification.

Channelopathy-Associated Epilepsy Research Center
No classification provided (evidence only). Review status: no classification provided. Collection method: in vitro. Allele origin: not applicable. Functional consequence: Decrease in peak current. Not counted in ClinVar's aggregate classification.

Channelopathy-Associated Epilepsy Research Center
No classification provided (evidence only). Review status: no classification provided. Collection method: in vitro. Allele origin: not applicable. Functional consequence: Hyperpolarizing shift of voltage dependence of activation. Not counted in ClinVar's aggregate classification.

Channelopathy-Associated Epilepsy Research Center
No classification provided (evidence only). Review status: no classification provided. Collection method: in vitro. Allele origin: not applicable. Functional consequence: Increase in slope of activation. Not counted in ClinVar's aggregate classification.

Channelopathy-Associated Epilepsy Research Center
No classification provided (evidence only). Review status: no classification provided. Collection method: in vitro. Allele origin: not applicable. Functional consequence: Slowing of activation. Not counted in ClinVar's aggregate classification.

Literature cited by the submitters: PubMed 17435769 (cited by Victorian Clinical Genetics Services, Murdoch Childrens Research Institute); PubMed 26594844 (cited by Victorian Clinical Genetics Services, Murdoch Childrens Research Institute); PubMed 27734276 (cited by Victorian Clinical Genetics Services, Murdoch Childrens Research Institute); PubMed 30515704 (cited by Victorian Clinical Genetics Services, Murdoch Childrens Research Institute).

NM_172107.4(KCNQ2):c.835G>A (p.Gly279Ser)

Gene: KCNQ2 (potassium voltage-gated channel subfamily Q member 2; minus strand). Cytogenetic location: 20q13.33.
Variant type: single nucleotide variant.
Coding change: c.835G>A on transcript NM_172107.4 (MANE Select); coding-DNA position 835, G replaced by A.
Protein change: p.Gly279Ser; replaces glycine 279 with serine.
Molecular consequence: missense variant.
Genome position (GRCh38, 1-based): chr20:63,439,690, C>T on the plus strand (G>A on the coding strand, the complement: KCNQ2 is on the minus strand). VCF-style: chr20-63439690-C-T. GRCh37 (hg19) VCF-style: chr20-62071043-C-T.
Other names: c.835G>A, p.Gly279Ser (NM_001382235.1, NM_004518.6, NM_172106.3 and 2 more transcripts); short protein forms G279S.
Identifiers: ClinVar variation 1805714 (VCV001805714.2), dbSNP rs1057516096, ClinGen allele CA409652718.